The following is an entry in ClinVar:

ClinVar aggregate classification (germline): Likely benign (1 of 4 stars; one submission).

Submission:

CeGaT Center for Human Genetics Tuebingen
Classification: Likely benign. Last evaluated: 2023-01-01. Review status: criteria provided, single submitter. Criteria: CeGaT Center For Human Genetics Tuebingen Variant Classification Criteria Version 2. Collection method: clinical testing. Allele origin: germline. Affected: yes. Observed: 1 variant allele.
Comment: CRIPAK: BS2

NM_175918.3(CRIPAK):c.549_579del31 (p.Thr184Metfs)

Genes: CRIPAK (cysteine rich PAK1 inhibitor; plus strand), UVSSA (UV stimulated scaffold protein A; plus strand), LOC126806945 (P300/CBP strongly-dependent group 1 enhancer GRCh37_chr4:1388225-1389424; plus strand). Cytogenetic location: 4p16.3.
Variant type: Deletion.
Coding change: c.549_579del31 on transcript NM_175918.3; coding-DNA positions 549 to 579, 31 bases deleted.
Protein change: p.Thr184Metfs; shifts the reading frame from threonine 184.
Molecular consequence: frameshift variant.
Genome position (GRCh38, 1-based): chr4:1,395,060-1,395,090, 31 bases deleted; deleting any 31 consecutive bases within chr4:1,395,049-1,395,090 gives the same sequence; the c. name uses the placement nearest the transcript's 3' end. GRCh37 (hg19): chr4:1,388,848-1,388,878.
Identifiers: ClinVar variation 2654569 (VCV002654569.24), dbSNP rs753485362, ClinGen allele CA2806958.